The following is an entry in ClinVar:

NM_032043.3(BRIP1):c.817A>C (p.Met273Leu)

Gene: BRIP1 (BRCA1 interacting DNA helicase 1; minus strand). Cytogenetic location: 17q23.2.
Variant type: single nucleotide variant.
Coding change: c.817A>C on transcript NM_032043.3 (MANE Select); coding-DNA position 817, A replaced by C.
Protein change: p.Met273Leu; replaces methionine 273 with leucine.
Molecular consequence: missense variant.
Genome position (GRCh38, 1-based): chr17:61,808,568, T>G on the plus strand (A>C on the coding strand, the complement: BRIP1 is on the minus strand). VCF-style: chr17-61808568-T-G. GRCh37 (hg19) VCF-style: chr17-59885929-T-G.
Other names: short protein forms M273L.
Identifiers: ClinVar variation 141503 (VCV000141503.24), dbSNP rs587781797, ClinGen allele CA165634.
Genomic context (GRCh38, chr17:61,808,568, plus strand): 5'-TGAAGTTACCGACTACCTCAGGATGGACACAAGTATGATCCCTGCTGGAAAGAATAGTCA[T>G]TGGAACCCCTGAATATGCCGTCCTCCGGAGCTCTCTAGTAATCTGAGCAATCTGCTTGTG-3'
Protein context (NP_114432.2, residues 263-283): LRRTAYSGVP[Met273Leu]TILSSRDHTC

ClinVar aggregate classification (germline): Uncertain significance. Review status: criteria provided, multiple submitters, no conflicts (2 of 4 stars). 5 submissions from 5 submitters: Uncertain significance (5). Last evaluated 2025-12-29.

Conditions:
Familial cancer of breast. Also called: Hereditary breast cancer; hereditary breast carcinoma; BREAST CANCER, FAMILIAL. Identifiers: Orphanet 227535, MedGen C0346153, MONDO:0016419, OMIM 114480. Disease mechanism: loss of function.
Fanconi anemia complementation group J. Also called: BRIP1-Related Fanconi Anemia. Identifiers: Orphanet 84, MedGen C1836860, MONDO:0012187, OMIM 609054.
Hereditary cancer-predisposing syndrome. Also called: Neoplastic Syndromes, Hereditary; Hereditary Cancer Syndrome; Hereditary neoplastic syndrome; Tumor predisposition. Identifiers: Orphanet 140162, MedGen C0027672, MeSH D009386, MONDO:0015356.

Allele frequency attached by ClinVar (database versions not stated): gnomAD exomes below 0.00001; ExAC 0.00001.
gnomAD v4.1: 3 of 1,613,748 alleles (0.00019%); highest among the groups gnomAD compares: Non-Finnish European, 0.00017%; no homozygotes.

Submissions (5):

Center for Genomic Medicine, Rigshospitalet, Copenhagen University Hospital
Classification: Uncertain significance. Last evaluated: 2025-12-29. Review status: criteria provided, single submitter. Criteria: ACMG Guidelines, 2015. Collection method: clinical testing. Allele origin: germline.

Labcorp Genetics (formerly Invitae), Labcorp
Classification: Uncertain significance for Familial cancer of breast; Fanconi anemia complementation group J. Last evaluated: 2025-09-20. Review status: criteria provided, single submitter. Criteria: Invitae Variant Classification Sherloc (09022015). Collection method: clinical testing. Allele origin: germline.
Comment: This sequence change replaces methionine, which is neutral and non-polar, with leucine, which is neutral and non-polar, at codon 273 of the BRIP1 protein (p.Met273Leu). This variant is present in population databases (rs587781797, gnomAD 0.0009%). This variant has not been reported in the literature in individuals affected with BRIP1-related conditions. ClinVar contains an entry for this variant (Variation ID: 141503). Invitae Evidence Modeling of protein sequence and biophysical properties (such as structural, functional, and spatial information, amino acid conservation, physicochemical variation, residue mobility, and thermodynamic stability) has been performed for this missense variant. However, the output from this modeling did not meet the statistical confidence thresholds required to predict the impact of this variant on BRIP1 protein function. In summary, the available evidence is currently insufficient to determine the role of this variant in disease. Therefore, it has been classified as a Variant of Uncertain Significance.

Color Diagnostics, LLC DBA Color Health
Classification: Uncertain significance for Hereditary cancer-predisposing syndrome. Last evaluated: 2024-03-06. Review status: criteria provided, single submitter. Criteria: ACMG Guidelines, 2015. Collection method: clinical testing. Allele origin: germline.
Comment: This missense variant replaces methionine with leucine at codon 273 of the BRIP1 protein. Computational prediction suggests that this variant may not impact protein structure and function (internally defined REVEL score threshold <= 0.5, PMID: 27666373). To our knowledge, functional studies have not been reported for this variant. This variant has not been reported in individuals affected with hereditary cancer in the literature. This variant has been identified in 1/251048 chromosomes in the general population by the Genome Aggregation Database (gnomAD). The available evidence is insufficient to determine the role of this variant in disease conclusively. Therefore, this variant is classified as a Variant of Uncertain Significance.

Ambry Genetics
Classification: Uncertain significance for Hereditary cancer-predisposing syndrome. Last evaluated: 2024-02-25. Review status: criteria provided, single submitter. Criteria: Ambry Variant Classification Scheme 2023. Collection method: clinical testing. Allele origin: germline.
Comment: The p.M273L variant (also known as c.817A>C), located in coding exon 6 of the BRIP1 gene, results from an A to C substitution at nucleotide position 817. The methionine at codon 273 is replaced by leucine, an amino acid with highly similar properties. This amino acid position is highly conserved on sequence alignment. In addition, the in silico prediction for this alteration is inconclusive. Since supporting evidence is limited at this time, the clinical significance of this alteration remains unclear.

GeneDx
Classification: Uncertain significance. Last evaluated: 2019-12-13. Review status: criteria provided, single submitter. Criteria: GeneDx Variant Classification Process June 2021. Collection method: clinical testing. Allele origin: germline. Affected: yes.
Comment: Not observed at a significant frequency in large population cohorts (Lek 2016); In silico analysis, which includes protein predictors and evolutionary conservation, supports a deleterious effect; Has not been previously published as pathogenic or benign to our knowledge